The following is an entry in ClinVar:

NM_005529.7(HSPG2):c.9345C>T (p.Ser3115=)

Gene: HSPG2 (heparan sulfate proteoglycan 2; minus strand). Cytogenetic location: 1p36.12.
Variant type: single nucleotide variant.
Coding change: c.9345C>T on transcript NM_005529.7 (MANE Select); coding-DNA position 9345, C replaced by T.
Protein change: p.Ser3115=; no amino-acid change (serine 3115 retained).
Molecular consequence: synonymous variant.
Genome position (GRCh38, 1-based): chr1:21,841,269, G>A on the plus strand (C>T on the coding strand, the complement: HSPG2 is on the minus strand). VCF-style: chr1-21841269-G-A. GRCh37 (hg19) VCF-style: chr1-22167762-G-A.
Other names: c.9348C>T, p.Ser3116= (NM_001291860.2).
Identifiers: ClinVar variation 2902781 (VCV002902781.7), dbSNP rs1338149550, ClinGen allele CA416547458.
Genomic context (GRCh38, chr1:21,841,269, plus strand): 5'-GACACACTCCAGGGTGACAGCCTTTCCCACTTTCACCCACACGGGGCCCTCGGGGAGCAC[G>A]GACACTGTAGGGGGCCCTGTGCGGAGGAATGACAACCACTGACACACAGGCAGGGCTCTG-3'
Protein context (NP_005520.4, residues 3105-3125): NLSVHGPPTV[Ser3115=]VLPEGPVWVK

ClinVar aggregate classification (germline): Likely benign. Review status: criteria provided, multiple submitters, no conflicts (2 of 4 stars). 2 submissions from 2 submitters: Likely benign (2). Last evaluated 2025-12-01.

Allele frequency attached by ClinVar (database versions not stated): gnomAD 0.00002; gnomAD exomes 0.00002; TOPMed 0.00002.
gnomAD v4.1: 29 of 1,613,646 alleles (0.0018%); highest among the groups gnomAD compares: African/African-American, 0.0027%; no homozygotes.

Submissions (2):

CeGaT Center for Human Genetics Tuebingen
Classification: Likely benign. Last evaluated: 2025-12-01. Review status: criteria provided, single submitter. Criteria: CeGaT Center For Human Genetics Tuebingen Variant Classification Criteria Version 2. Collection method: clinical testing. Allele origin: germline. Affected: yes. Observed: 1 variant allele.
Comment: HSPG2: BP4, BP7

Labcorp Genetics (formerly Invitae), Labcorp
Classification: Likely benign. Last evaluated: 2025-11-11. Review status: criteria provided, single submitter. Criteria: Invitae Variant Classification Sherloc (09022015). Collection method: clinical testing. Allele origin: germline.